The following is an entry in ClinVar:

NM_006133.3(DAGLA):c.636+1G>A

Gene: DAGLA (diacylglycerol lipase alpha; plus strand). Cytogenetic location: 11q12.2.
Variant type: single nucleotide variant.
Coding change: c.636+1G>A on transcript NM_006133.3 (MANE Select); the canonical splice donor site of the intron after coding-DNA position 636, G replaced by A.
Molecular consequence: splice donor variant.
Genome position (GRCh38, 1-based): chr11:61,726,083, G>A. VCF-style: chr11-61726083-G-A. GRCh37 (hg19) VCF-style: chr11-61493555-G-A.
Identifiers: ClinVar variation 4083112 (VCV004083112.1).

ClinVar aggregate classification (germline): Uncertain significance (1 of 4 stars; one submission).

Submission:

GeneDx
Classification: Uncertain significance. Last evaluated: 2025-03-11. Review status: criteria provided, single submitter. Criteria: GeneDx Variant Classification Process June 2021. Collection method: clinical testing. Allele origin: germline. Affected: yes.
Comment: Not observed at significant frequency in large population cohorts (gnomAD); Has not been previously published as pathogenic or benign to our knowledge; Canonical splice site variant in a gene for which loss-of-function is not an established mechanism of disease